The following is an entry in ClinVar:

ClinVar aggregate classification (germline): Uncertain significance (1 of 4 stars; one submission).

Conditions:
BAZ2B-related Neurodevelopmental disorder.

Allele frequency attached by ClinVar (database versions not stated): gnomAD 0.00001.
gnomAD v4.1: 2 of 1,613,884 alleles (0.00012%); highest among the groups gnomAD compares: Admixed American, 0.0017%; no homozygotes.

Submission:

New York Genome Center
Classification: Uncertain significance for BAZ2B-related Neurodevelopmental disorder. Last evaluated: 2021-03-26. Review status: criteria provided, single submitter. Criteria: NYGC Assertion Criteria 2020. Collection method: clinical testing. Allele origin: inherited. Observed: 1 heterozygote. Study: CSER-NYCKidSeq.
Comment: The inherited heterozygous c.2563C>T(p.Arg855Ter) stop-gained variant located in exon 14 (of 37) of the BAZ2B gene has not been reported in affected individuals in the literature. The variant creates a premature translation termination codon and is predicted to cause loss of normal protein function either through protein truncation or nonsense mediated mRNA decay. The variant has 0.000006577 allele frequency in the gnomAD(v3) database (1 out of 152,056 heterozygous alleles, no homozygotes) suggesting it is not a common benign variant in the populations represented in that database. Due to lack of compelling evidence for disease-gene association, the inherited heterozygous c.2563C>T (p.Arg855Ter) stop-gained variant identified in the BAZ2B gene is reported as a variant of uncertain significance.

NM_013450.4(BAZ2B):c.2563C>T (p.Arg855Ter)

Gene: BAZ2B (bromodomain adjacent to zinc finger domain 2B; minus strand). Cytogenetic location: 2q24.2.
Variant type: single nucleotide variant.
Coding change: c.2563C>T on transcript NM_013450.4 (MANE Select); coding-DNA position 2563, C replaced by T.
Protein change: p.Arg855Ter; replaces arginine 855 with a stop codon.
Molecular consequence: nonsense.
Genome position (GRCh38, 1-based): chr2:159,412,449, G>A on the plus strand (C>T on the coding strand, the complement: BAZ2B is on the minus strand). VCF-style: chr2-159412449-G-A. GRCh37 (hg19) VCF-style: chr2-160268960-G-A.
Other names: c.2455C>T, p.Arg819Ter (NM_001289975.1); c.2374C>T, p.Arg792Ter (NM_001329857.2); c.2461C>T, p.Arg821Ter (NM_001329858.2); short protein forms R792*, R819*, R821*, R855*.
Identifiers: ClinVar variation 1342425 (VCV001342425.1), dbSNP rs2066971566, ClinGen allele CA348936054.
Genomic context (GRCh38, chr2:159,412,449, plus strand): 5'-CATTGCCAACATTTGGAGGTCGACCTTTCCGACGTCTCATCCTGGATTCCTCTCTTGCTC[G>A]TTGTCTATCTGGATTTGGTGGTCTTCCTCTACGACCTTCCATTGCCCTGATACGAGGAAT-3'